The following is an entry in ClinVar:

ClinVar aggregate classification (germline): Uncertain significance (1 of 4 stars; one submission).

Conditions:
Combined immunodeficiency due to DOCK8 deficiency (HIES2). Also called: Hyper-IgE recurrent infection syndrome, autosomal recessive; HYPER-IgE RECURRENT INFECTION SYNDROME 2, AUTOSOMAL RECESSIVE; HIES autosomal recessive; HYPER-IgE SYNDROME 2, AUTOSOMAL RECESSIVE, WITH RECURRENT INFECTIONS; DOCK8 Deficiency. Identifiers: Orphanet 217390, MedGen C4722305, MONDO:0009478, OMIM 243700.

Allele frequency attached by ClinVar (database versions not stated): gnomAD exomes below 0.00001.
gnomAD v4.1: 3 of 1,614,096 alleles (0.00019%); highest among the groups gnomAD compares: Non-Finnish European, 0.00017%; no homozygotes.

Submission:

Labcorp Genetics (formerly Invitae), Labcorp
Classification: Uncertain significance for Combined immunodeficiency due to DOCK8 deficiency. Last evaluated: 2022-02-24. Review status: criteria provided, single submitter. Criteria: Invitae Variant Classification Sherloc (09022015). Collection method: clinical testing. Allele origin: germline.
Comment: This sequence change replaces tyrosine, which is neutral and polar, with histidine, which is basic and polar, at codon 1658 of the DOCK8 protein (p.Tyr1658His). This variant is present in population databases (no rsID available, gnomAD 0.0009%). This variant has not been reported in the literature in individuals affected with DOCK8-related conditions. Algorithms developed to predict the effect of missense changes on protein structure and function are either unavailable or do not agree on the potential impact of this missense change (SIFT: "Tolerated"; PolyPhen-2: "Possibly Damaging"; Align-GVGD: "Class C0"). In summary, the available evidence is currently insufficient to determine the role of this variant in disease. Therefore, it has been classified as a Variant of Uncertain Significance.

NM_203447.4(DOCK8):c.4972T>C (p.Tyr1658His)

Gene: DOCK8 (dedicator of cytokinesis 8; plus strand). Cytogenetic location: 9p24.3.
Variant type: single nucleotide variant.
Coding change: c.4972T>C on transcript NM_203447.4 (MANE Select); coding-DNA position 4972, T replaced by C.
Protein change: p.Tyr1658His; replaces tyrosine 1658 with histidine.
Molecular consequence: missense variant.
Genome position (GRCh38, 1-based): chr9:434,868, T>C. VCF-style: chr9-434868-T-C. GRCh37 (hg19) VCF-style: chr9-434868-T-C.
Other names: c.4672T>C, p.Tyr1558His (NM_001190458.2); c.4768T>C, p.Tyr1590His (NM_001193536.2); short protein forms Y1558H, Y1590H, Y1658H.
Identifiers: ClinVar variation 1476349 (VCV001476349.8), dbSNP rs1344008218, ClinGen allele CA372767369.